The following is an entry in ClinVar:

NM_000245.4(MET):c.2365-12G>A

Gene: MET (MET proto-oncogene, receptor tyrosine kinase; plus strand). Cytogenetic location: 7q31.2.
Variant type: single nucleotide variant.
Coding change: c.2365-12G>A on transcript NM_000245.4 (MANE Select); 12 bases into the intron before coding-DNA position 2365, G replaced by A.
Molecular consequence: intron variant.
Genome position (GRCh38, 1-based): chr7:116,763,038, G>A. VCF-style: chr7-116763038-G-A. GRCh37 (hg19) VCF-style: chr7-116403092-G-A.
Other names: c.2419-12G>A (NM_001127500.3); c.1075-12G>A (NM_001324402.2); c.2365-12G>A (NM_001324401.3).
Identifiers: ClinVar variation 1628088 (VCV001628088.9), dbSNP rs986494432, ClinGen allele CA164897602.
Genomic context (GRCh38, chr7:116,763,038, plus strand): 5'-TAAATTATAAAGTTGCTATGGATGTTGCCAAGCTGTATTCTGTTTACAGTGGATAATTGT[G>A]TCTTTCTCTAGGCATGTCAACATCGCTCTAATTCAGAGATAATCTGTTGTACCACTCCTT-3'

ClinVar aggregate classification (germline): Likely benign. Review status: criteria provided, multiple submitters, no conflicts (2 of 4 stars). 2 submissions from 2 submitters: Likely benign (2). Last evaluated 2025-04-09.

Conditions:
Renal cell carcinoma. Identifiers: Orphanet 217071, MedGen C0007134, MeSH D002292, MONDO:0005086, HP:0005584.
Papillary renal cell carcinoma type 1 (RCCP1). Also called: RENAL CELL CARCINOMA, PAPILLARY, 1, SOMATIC; Renal adenocarcinoma; Renal cell carcinoma 1; Renal cell carcinoma, somatic. Identifiers: Orphanet 47044, MedGen C1336839, OMIM 605074, HP:0011797.

Allele frequency attached by ClinVar (database versions not stated): gnomAD exomes below 0.00001; gnomAD 0.00001; TOPMed 0.00001.
gnomAD v4.1: 5 of 1,608,712 alleles (0.00031%); highest among the groups gnomAD compares: Admixed American, 0.0033%; no homozygotes.

Submissions (2):

Labcorp Genetics (formerly Invitae), Labcorp
Classification: Likely benign for Renal cell carcinoma. Last evaluated: 2025-04-09. Review status: criteria provided, single submitter. Criteria: Invitae Variant Classification Sherloc (09022015). Collection method: clinical testing. Allele origin: germline.

Myriad Genetics, Inc.
Classification: Likely benign for Papillary renal cell carcinoma type 1. Last evaluated: 2024-11-11. Review status: criteria provided, single submitter. Criteria: Myriad Autosomal Dominant, Autosomal Recessive and X-Linked Classification Criteria (2023). Collection method: clinical testing. Allele origin: unknown.
Comment: This variant is considered likely benign. This variant is intronic and is not expected to impact mRNA splicing.